The following is an entry in ClinVar:

ClinVar aggregate classification (germline): Uncertain significance (1 of 4 stars; one submission).

Conditions:
Hereditary cancer-predisposing syndrome. Also called: Hereditary Cancer Syndrome; Hereditary neoplastic syndrome; Neoplastic Syndromes, Hereditary; Tumor predisposition. Identifiers: Orphanet 140162, MedGen C0027672, MeSH D009386, MONDO:0015356.

Submission:

Ambry Genetics
Classification: Uncertain significance for Hereditary cancer-predisposing syndrome. Last evaluated: 2020-10-23. Review status: criteria provided, single submitter. Criteria: Ambry Variant Classification Scheme 2023. Collection method: clinical testing. Allele origin: germline.
Comment: The p.S474G variant (also known as c.1420A>G), located in coding exon 4 of the PALB2 gene, results from an A to G substitution at nucleotide position 1420. The serine at codon 474 is replaced by glycine, an amino acid with similar properties. This amino acid position is not well conserved in available vertebrate species. In addition, this alteration is predicted to be tolerated by in silico analysis. Since supporting evidence is limited at this time, the clinical significance of this alteration remains unclear.

NM_024675.4(PALB2):c.1420A>G (p.Ser474Gly)

Gene: PALB2 (partner and localizer of BRCA2; minus strand). Cytogenetic location: 16p12.2.
Variant type: single nucleotide variant.
Coding change: c.1420A>G on transcript NM_024675.4 (MANE Select); coding-DNA position 1420, A replaced by G.
Protein change: p.Ser474Gly; replaces serine 474 with glycine.
Molecular consequence: missense variant.
Genome position (GRCh38, 1-based): chr16:23,635,126, T>C on the plus strand (A>G on the coding strand, the complement: PALB2 is on the minus strand). VCF-style: chr16-23635126-T-C. GRCh37 (hg19) VCF-style: chr16-23646447-T-C.
Other names: c.1360A>G, p.Ser454Gly (NM_001407296.1); c.1420A>G, p.Ser474Gly (NM_001407297.1, NM_001407298.1, NM_001407299.1 and 3 more transcripts); c.535A>G, p.Ser179Gly (NM_001407304.1, NM_001407305.1, NM_001407306.1 and 5 more transcripts); short protein forms S474G, S179G, S454G.
Identifiers: ClinVar variation 1772246 (VCV001772246.2), dbSNP rs2142416507, ClinGen allele CA395131308.